The following is an entry in ClinVar:

NM_005475.3(SH2B3):c.134A>G (p.Tyr45Cys)

Gene: SH2B3 (SH2B adaptor protein 3; plus strand). Cytogenetic location: 12q24.12.
Variant type: single nucleotide variant.
Coding change: c.134A>G on transcript NM_005475.3 (MANE Select); coding-DNA position 134, A replaced by G.
Protein change: p.Tyr45Cys; replaces tyrosine 45 with cysteine.
Molecular consequence: missense variant.
Genome position (GRCh38, 1-based): chr12:111,418,279, A>G. VCF-style: chr12-111418279-A-G. GRCh37 (hg19) VCF-style: chr12-111856083-A-G.
Other names: short protein forms Y45C.
Identifiers: ClinVar variation 4864430 (VCV004864430.1).

ClinVar aggregate classification (germline): Uncertain significance (1 of 4 stars; one submission).

Conditions:
Inborn genetic diseases. Identifiers: MedGen C0950123, MeSH D030342.

gnomAD v4.1: 4 of 1,539,608 alleles (0.00026%); highest among the groups gnomAD compares: Non-Finnish European, 0.00035%; no homozygotes.

Submission:

Ambry Genetics
Classification: Uncertain significance for Inborn genetic diseases. Last evaluated: 2026-04-22. Review status: criteria provided, single submitter. Criteria: Ambry Variant Classification Scheme 2023. Collection method: clinical testing. Allele origin: germline.
Comment: The p.Y45C variant (also known as c.134A>G), located in coding exon 1 of the SH2B3 gene, results from an A to G substitution at nucleotide position 134. The tyrosine at codon 45 is replaced by cysteine, an amino acid with highly dissimilar properties. This amino acid position is conserved. In addition, the in silico prediction for this alteration is inconclusive. Based on the available evidence, the clinical significance of this variant remains unclear.